The following is an entry in ClinVar:

ClinVar aggregate classification (germline): Uncertain significance (1 of 4 stars; one submission).

Conditions:
Schneckenbecken dysplasia. Identifiers: Orphanet 3144, MedGen C0432194, MONDO:0010013, OMIM 269250.

Allele frequency attached by ClinVar (database versions not stated): gnomAD exomes below 0.00001; TOPMed below 0.00001; ExAC 0.00001.

Submission:

Labcorp Genetics (formerly Invitae), Labcorp
Classification: Uncertain significance for Schneckenbecken dysplasia. Last evaluated: 2025-08-01. Review status: criteria provided, single submitter. Criteria: Invitae Variant Classification Sherloc (09022015). Collection method: clinical testing. Allele origin: germline.
Comment: This sequence change replaces methionine, which is neutral and non-polar, with isoleucine, which is neutral and non-polar, at codon 164 of the SLC35D1 protein (p.Met164Ile). This variant is present in population databases (rs775048147, gnomAD 0.003%). This variant has not been reported in the literature in individuals affected with SLC35D1-related conditions. ClinVar contains an entry for this variant (Variation ID: 1413663). Invitae Evidence Modeling of protein sequence and biophysical properties (such as structural, functional, and spatial information, amino acid conservation, physicochemical variation, residue mobility, and thermodynamic stability) indicates that this missense variant is not expected to disrupt SLC35D1 protein function with a negative predictive value of 80%. In summary, the available evidence is currently insufficient to determine the role of this variant in disease. Therefore, it has been classified as a Variant of Uncertain Significance.

NM_015139.3(SLC35D1):c.492G>A (p.Met164Ile)

Gene: SLC35D1 (solute carrier family 35 member D1; minus strand). Cytogenetic location: 1p31.3.
Variant type: single nucleotide variant.
Coding change: c.492G>A on transcript NM_015139.3 (MANE Select); coding-DNA position 492, G replaced by A.
Protein change: p.Met164Ile; replaces methionine 164 with isoleucine.
Molecular consequence: missense variant.
Genome position (GRCh38, 1-based): chr1:67,049,823, C>T on the plus strand (G>A on the coding strand, the complement: SLC35D1 is on the minus strand). VCF-style: chr1-67049823-C-T. GRCh37 (hg19) VCF-style: chr1-67515506-C-T.
Other names: short protein forms M164I.
Identifiers: ClinVar variation 1413663 (VCV001413663.8), dbSNP rs775048147, ClinGen allele CA899003.